The following is an entry in ClinVar:

NM_005633.4(SOS1):c.2858A>G (p.Lys953Arg)

Gene: SOS1 (SOS Ras/Rac guanine nucleotide exchange factor 1; minus strand). Cytogenetic location: 2p22.1.
Variant type: single nucleotide variant.
Coding change: c.2858A>G on transcript NM_005633.4 (MANE Select); coding-DNA position 2858, A replaced by G.
Protein change: p.Lys953Arg; replaces lysine 953 with arginine.
Molecular consequence: missense variant.
Genome position (GRCh38, 1-based): chr2:38,997,359, T>C on the plus strand (A>G on the coding strand, the complement: SOS1 is on the minus strand). VCF-style: chr2-38997359-T-C. GRCh37 (hg19) VCF-style: chr2-39224500-T-C.
Other names: c.2837A>G, p.Lys946Arg (NM_001382394.1); c.2858A>G, p.Lys953Arg (NM_001382395.1); short protein forms K946R, K953R.
Identifiers: ClinVar variation 4527624 (VCV004527624.1).

ClinVar aggregate classification (germline): Uncertain significance (1 of 4 stars; one submission).

Submission:

GeneDx
Classification: Uncertain significance. Last evaluated: 2025-04-29. Review status: criteria provided, single submitter. Criteria: GeneDx Variant Classification Process June 2021. Collection method: clinical testing. Allele origin: germline. Affected: yes.
Comment: Not observed at significant frequency in large population cohorts (gnomAD); Missense variants in this gene are a common cause of disease and they are underrepresented in the general population; In silico analysis indicates that this missense variant does not alter protein structure/function; Has not been previously published as pathogenic or benign to our knowledge; This variant is associated with the following publications: (PMID: 29493581)